The following is an entry in ClinVar:

NM_001267550.2(TTN):c.106492G>C (p.Ala35498Pro)

Genes: TTN-AS1 (TTN antisense RNA 1; plus strand), TTN (titin; minus strand). Cytogenetic location: 2q31.2.
Variant type: single nucleotide variant.
Coding change: c.106492G>C on transcript NM_001267550.2 (MANE Select); coding-DNA position 106492, G replaced by C.
Protein change: p.Ala35498Pro; replaces alanine 35498 with proline.
Molecular consequence: missense variant.
Genome position (GRCh38, 1-based): chr2:178,529,999, C>G on the plus strand (G>C on the coding strand, the complement: TTN is on the minus strand). VCF-style: chr2-178529999-C-G. GRCh37 (hg19) VCF-style: chr2-179394726-C-G.
Other names: c.101569G>C, p.Ala33857Pro (NM_001256850.1); c.79297G>C, p.Ala26433Pro (NM_003319.4); c.98788G>C, p.Ala32930Pro (NM_133378.4); c.79672G>C, p.Ala26558Pro (NM_133432.3); c.79873G>C, p.Ala26625Pro (NM_133437.4); short protein forms A26558P, A35498P, A26625P, A33857P, A26433P, A32930P.
Identifiers: ClinVar variation 1470005 (VCV001470005.6), dbSNP rs878879036, ClinGen allele CA60952976.
Genomic context (GRCh38, chr2:178,529,999, plus strand): 5'-TAAAAACAAAAGCCAACCTACCTTTTATTGTTAATTTGCAGCTAGAGGACACAGATCCAG[C>G]TGAATTTTTTACTGTACAAGTATAAAGTCCACTGTCAGAAGTATCAGTCTTATGAATTTC-3'
Protein context (NP_001254479.2, residues 35488-35508): GLYTCTVKNS[Ala35498Pro]GSVSSSCKLT

ClinVar aggregate classification (germline): Uncertain significance (1 of 4 stars; one submission).

Conditions:
Dilated cardiomyopathy 1G (CMD1G). Identifiers: Orphanet 154, MedGen C1858763, MONDO:0011400, OMIM 604145.
Autosomal recessive limb-girdle muscular dystrophy type 2J (LGMDR10). Also called: Limb-girdle muscular dystrophy, type 2J; MUSCULAR DYSTROPHY, LIMB-GIRDLE, AUTOSOMAL RECESSIVE 10. Identifiers: Orphanet 140922, MedGen C1837342, MONDO:0012127, OMIM 608807.

Allele frequency attached by ClinVar (database versions not stated): TOPMed below 0.00001.
gnomAD v4.1: 2 of 1,603,252 alleles (0.00012%); highest among the groups gnomAD compares: South Asian, 0.0011%; no homozygotes.

Submission:

Labcorp Genetics (formerly Invitae), Labcorp
Classification: Uncertain significance for Dilated cardiomyopathy 1G; Autosomal recessive limb-girdle muscular dystrophy type 2J. Last evaluated: 2021-11-11. Review status: criteria provided, single submitter. Criteria: Invitae Variant Classification Sherloc (09022015). Collection method: clinical testing. Allele origin: germline.
Comment: This variant is located in the M band of TTN (PMID: 25589632). Variants in this region may be relevant for neuromuscular disorders, but have not been definitively shown to cause cardiomyopathy (PMID: 23975875). In summary, the available evidence is currently insufficient to determine the role of this variant in disease. Therefore, it has been classified as a Variant of Uncertain Significance. Experimental studies and prediction algorithms are not available or were not evaluated, and the functional significance of this variant is currently unknown. This variant has not been reported in the literature in individuals affected with TTN-related conditions. This variant is not present in population databases (gnomAD no frequency). This sequence change replaces alanine, which is neutral and non-polar, with proline, which is neutral and non-polar, at codon 35498 of the TTN protein (p.Ala35498Pro).

Literature cited by the submitters: PubMed 25589632; PubMed 23975875.